The following is an entry in ClinVar:

ClinVar aggregate classification (germline): Uncertain significance (1 of 4 stars; one submission).

Submission:

GeneDx
Classification: Uncertain significance. Last evaluated: 2025-05-07. Review status: criteria provided, single submitter. Criteria: GeneDx Variant Classification Process June 2021. Collection method: clinical testing. Allele origin: germline. Affected: yes.
Comment: Not observed at significant frequency in large population cohorts (gnomAD); In silico analysis supports that this missense variant has a deleterious effect on protein structure/function; Has not been previously published as pathogenic or benign to our knowledge

NM_001127464.1:c.1679C>T

Gene: ZNF469 (zinc finger protein 469; plus strand).
Variant type: single nucleotide variant.
Identifiers: ClinVar variation 4528089 (VCV004528089.1).